The following is an entry in ClinVar:

NM_000038.6(APC):c.3441C>G (p.Tyr1147Ter)

Gene: APC (APC regulator of Wnt signaling pathway; plus strand). Cytogenetic location: 5q22.2.
Variant type: single nucleotide variant.
Coding change: c.3441C>G on transcript NM_000038.6 (MANE Select); coding-DNA position 3441, C replaced by G.
Protein change: p.Tyr1147Ter; replaces tyrosine 1147 with a stop codon.
Molecular consequence: nonsense.
Genome position (GRCh38, 1-based): chr5:112,839,035, C>G. VCF-style: chr5-112839035-C-G. GRCh37 (hg19) VCF-style: chr5-112174732-C-G.
Other names: c.3441C>G (NM_000038.5); c.3441C>G, p.Tyr1147Ter (NM_001127510.3, NM_001354895.2); c.3387C>G, p.Tyr1129Ter (NM_001127511.3); c.3495C>G, p.Tyr1165Ter (NM_001354896.2); c.3471C>G, p.Tyr1157Ter (NM_001354897.2); c.3366C>G, p.Tyr1122Ter (NM_001354898.2); c.3357C>G, p.Tyr1119Ter (NM_001354899.2); c.3318C>G, p.Tyr1106Ter (NM_001354900.2); and 6 more; short protein forms Y1021*, Y1046*, Y1056*, Y1088*, Y1106*, Y1119*, Y1122*, Y1129*.
Identifiers: ClinVar variation 1683653 (VCV001683653.4), dbSNP rs2149891970, ClinGen allele CA16028877.

ClinVar aggregate classification (germline): Pathogenic. Review status: criteria provided, multiple submitters, no conflicts (2 of 4 stars). 3 submissions from 3 submitters: Pathogenic (3). Last evaluated 2025-01-08.

Conditions:
Hereditary cancer-predisposing syndrome. Also called: Hereditary neoplastic syndrome; Neoplastic Syndromes, Hereditary; Tumor predisposition; Hereditary Cancer Syndrome. Identifiers: Orphanet 140162, MedGen C0027672, MeSH D009386, MONDO:0015356.
Familial adenomatous polyposis 1 (FAP1). Also called: FAMILIAL ADENOMATOUS POLYPOSIS 1, ATTENUATED; POLYPOSIS, ADENOMATOUS INTESTINAL. Identifiers: MedGen C2713442, MONDO:0021056, OMIM 175100. Disease mechanism: loss of function.

Submissions (3):

Ambry Genetics
Classification: Pathogenic for Hereditary cancer-predisposing syndrome. Last evaluated: 2025-01-08. Review status: criteria provided, single submitter. Criteria: Ambry Variant Classification Scheme 2023. Collection method: clinical testing. Allele origin: germline.
Comment: The p.Y1147* pathogenic mutation (also known as c.3441C>G), located in coding exon 15 of the APC gene, results from a C to G substitution at nucleotide position 3441. This changes the amino acid from a tyrosine to a stop codon within coding exon 15. This alteration occurs at the 3' terminus of theAPC gene, is not expected to trigger nonsense-mediated mRNA decay, and impacts the last 59.7% of the protein. However, premature stop codons are typically deleterious in nature and a significant portion of the protein is affected (Ambry internal data). This variant was reported in individual(s) with features consistent with APC-related familial adenomatous polyposis (Friedl W et al. Hered Cancer Clin Pract. 2005 Sep;3:95-114; Lagarde A et al. J Med Genet. 2010 Oct;47:721-2; Ambry internal data). This variant is considered to be rare based on population cohorts in the Genome Aggregation Database (gnomAD). Based on the supporting evidence, this variant is interpreted as a disease-causing mutation.

Myriad Genetics, Inc.
Classification: Pathogenic for Familial adenomatous polyposis 1. Last evaluated: 2023-05-08. Review status: criteria provided, single submitter. Criteria: Myriad Autosomal Dominant, Autosomal Recessive and X-Linked Classification Criteria (2023). Collection method: clinical testing. Allele origin: unknown.
Comment: This variant is considered pathogenic. This variant creates a termination codon and is predicted to result in premature protein truncation.

Laboratorio de Genetica e Diagnostico Molecular, Hospital Israelita Albert Einstein
Classification: Pathogenic for Familial adenomatous polyposis 1. Last evaluated: 2021-11-12. Review status: criteria provided, single submitter. Criteria: ACMG Guidelines, 2015. Collection method: clinical testing. Allele origin: germline. Affected: yes.
Comment: ACMG classification criteria: PVS1 very strong, PS4 supporting, PM2 moderate

Literature cited by the submitters: PubMed 20223039 (cited by Ambry Genetics); PubMed 20685668 (cited by Ambry Genetics).